The following is an entry in ClinVar:

NM_181776.3(SLC36A2):c.1115G>A (p.Arg372Gln)

Gene: SLC36A2 (solute carrier family 36 member 2; minus strand). Cytogenetic location: 5q33.1.
Variant type: single nucleotide variant.
Coding change: c.1115G>A on transcript NM_181776.3 (MANE Select); coding-DNA position 1115, G replaced by A.
Protein change: p.Arg372Gln; replaces arginine 372 with glutamine.
Molecular consequence: missense variant.
Genome position (GRCh38, 1-based): chr5:151,322,111, C>T on the plus strand (G>A on the coding strand, the complement: SLC36A2 is on the minus strand). VCF-style: chr5-151322111-C-T. GRCh37 (hg19) VCF-style: chr5-150701672-C-T.
Other names: c.1115G>A (NM_181776.2); short protein forms R372Q.
Identifiers: ClinVar variation 2137105 (VCV002137105.5), dbSNP rs774099891, ClinGen allele CA3518634.

ClinVar aggregate classification (germline): Conflicting classifications of pathogenicity. Review status: criteria provided, conflicting classifications (1 of 4 stars). 2 submissions from 2 submitters: Uncertain significance (1); Likely benign (1). Last evaluated 2023-10-24.

Allele frequency attached by ClinVar (database versions not stated): ExAC 0.00003; gnomAD 0.00004; TOPMed 0.00004.
gnomAD v4.1: 32 of 1,613,968 alleles (0.002%); highest among the groups gnomAD compares: Admixed American, 0.005%; no homozygotes.

Submissions (2):

Ambry Genetics
Classification: Likely benign. Last evaluated: 2023-10-24. Review status: criteria provided, single submitter. Criteria: Ambry Variant Classification Scheme 2023. Collection method: clinical testing. Allele origin: germline.

Labcorp Genetics (formerly Invitae), Labcorp
Classification: Uncertain significance. Last evaluated: 2022-10-13. Review status: criteria provided, single submitter. Criteria: Invitae Variant Classification Sherloc (09022015). Collection method: clinical testing. Allele origin: germline.
Comment: This variant has not been reported in the literature in individuals affected with SLC36A2-related conditions. In summary, the available evidence is currently insufficient to determine the role of this variant in disease. Therefore, it has been classified as a Variant of Uncertain Significance. Algorithms developed to predict the effect of sequence changes on RNA splicing suggest that this variant may create or strengthen a splice site. Advanced modeling of protein sequence and biophysical properties (such as structural, functional, and spatial information, amino acid conservation, physicochemical variation, residue mobility, and thermodynamic stability) performed at Invitae indicates that this missense variant is not expected to disrupt SLC36A2 protein function. This variant is present in population databases (rs774099891, gnomAD 0.005%). This sequence change replaces arginine, which is basic and polar, with glutamine, which is neutral and polar, at codon 372 of the SLC36A2 protein (p.Arg372Gln).